The following is an entry in ClinVar:

NM_002693.3(POLG):c.3544G>A (p.Ala1182Thr)

Gene: POLG (DNA polymerase gamma, catalytic subunit; minus strand). Cytogenetic location: 15q26.1.
Variant type: single nucleotide variant.
Coding change: c.3544G>A on transcript NM_002693.3 (MANE Select); coding-DNA position 3544, G replaced by A.
Protein change: p.Ala1182Thr; replaces alanine 1182 with threonine.
Molecular consequence: missense variant.
Genome position (GRCh38, 1-based): chr15:89,317,475, C>T on the plus strand (G>A on the coding strand, the complement: POLG is on the minus strand). VCF-style: chr15-89317475-C-T. GRCh37 (hg19) VCF-style: chr15-89860706-C-T.
Other names: c.3544G>A, p.Ala1182Thr (NM_001126131.2); short protein forms A1182T.
Identifiers: ClinVar variation 432887 (VCV000432887.7), dbSNP rs1481381913, ClinGen allele CA393747713.
Genomic context (GRCh38, chr15:89,317,475, plus strand): 5'-TGGAAGGGGTTTTACAATCCATGGTCACTTCCTTCCTGAGGCACCGGTCAATATCGACTG[C>T]ACTGAAAAAGGCGACTGACTGGGGCAAGTCATTCAGACCCAGCTTGTAGGCAAACATGCA-3'
Protein context (NP_002684.1, residues 1172-1192): DLPQSVAFFS[Ala1182Thr]VDIDRCLRKE

ClinVar aggregate classification (germline): Uncertain significance. Review status: criteria provided, multiple submitters, no conflicts (2 of 4 stars). 3 submissions from 3 submitters: Uncertain significance (3). Last evaluated 2023-10-16.

Conditions:
Progressive sclerosing poliodystrophy (MTDPS4A). Also called: Mitochondrial DNA depletion syndrome 4A (Alpers type); Alpers Syndrome; ALPERS DIFFUSE DEGENERATION OF CEREBRAL GRAY MATTER WITH HEPATIC CIRRHOSIS; Mitochondrial DNA Depletion Syndrome 4A; Alpers-Huttenlocher Syndrome (AHS); ALPERS PROGRESSIVE INFANTILE POLIODYSTROPHY. Identifiers: Orphanet 726, MedGen C0205710, MONDO:0008758, OMIM 203700.

Allele frequency attached by ClinVar (database versions not stated): gnomAD exomes below 0.00001 and 0.00002.
gnomAD v4.1: 27 of 1,614,092 alleles (0.0017%); highest among the groups gnomAD compares: East Asian, 0.0022%; no homozygotes.

Submissions (3):

Women's Health and Genetics/Laboratory Corporation of America, LabCorp
Classification: Uncertain significance. Last evaluated: 2023-10-16. Review status: criteria provided, single submitter. Criteria: LabCorp Variant Classification Summary - May 2015. Collection method: clinical testing. Allele origin: germline.
Comment: Variant summary: POLG c.3544G>A (p.Ala1182Thr) results in a non-conservative amino acid change located in the DNA polymerase gamma, palm domain (IPR047580) of the encoded protein sequence. Three of five in-silico tools predict a damaging effect of the variant on protein function. The variant allele was found at a frequency of 4e-06 in 251496 control chromosomes. The available data on variant occurrences in the general population are insufficient to allow any conclusion about variant significance. To our knowledge, no occurrence of c.3544G>A in individuals affected with POLG-Related Spectrum Disorders and no experimental evidence demonstrating its impact on protein function have been reported. Two submitters have cited clinical-significance assessments for this variant to ClinVar after 2014. All submitters classified the variant as uncertain significance. Based on the evidence outlined above, the variant was classified as uncertain significance.

Labcorp Genetics (formerly Invitae), Labcorp
Classification: Uncertain significance for Progressive sclerosing poliodystrophy. Last evaluated: 2021-08-05. Review status: criteria provided, single submitter. Criteria: Invitae Variant Classification Sherloc (09022015). Collection method: clinical testing. Allele origin: germline.
Comment: This sequence change replaces alanine with threonine at codon 1182 of the POLG protein (p.Ala1182Thr). The alanine residue is moderately conserved and there is a small physicochemical difference between alanine and threonine. This variant is not present in population databases (ExAC no frequency). This variant has not been reported in the literature in individuals affected with POLG-related conditions. ClinVar contains an entry for this variant (Variation ID: 432887). Algorithms developed to predict the effect of missense changes on protein structure and function output the following: SIFT: "Tolerated"; PolyPhen-2: "Benign"; Align-GVGD: "Class C0". The threonine amino acid residue is found in multiple mammalian species, which suggests that this missense change does not adversely affect protein function. In summary, the available evidence is currently insufficient to determine the role of this variant in disease. Therefore, it has been classified as a Variant of Uncertain Significance.

GeneDx
Classification: Uncertain significance. Last evaluated: 2019-07-03. Review status: criteria provided, single submitter. Criteria: GeneDx Variant Classification Process June 2021. Collection method: clinical testing. Allele origin: germline. Affected: yes.
Comment: Not observed at a significant frequency in large population cohorts (Lek et al., 2016); Has not been previously published as pathogenic or benign to our knowledge